The following is an entry in ClinVar:

NM_012301.4(MAGI2):c.4207G>T (p.Glu1403Ter)

Gene: MAGI2 (membrane associated guanylate kinase, WW and PDZ domain containing 2; minus strand). Cytogenetic location: 7q21.11.
Variant type: single nucleotide variant.
Coding change: c.4207G>T on transcript NM_012301.4 (MANE Select); coding-DNA position 4207, G replaced by T.
Protein change: p.Glu1403Ter; replaces glutamic acid 1403 with a stop codon.
Molecular consequence: nonsense.
Genome position (GRCh38, 1-based): chr7:78,019,476, C>A on the plus strand (G>T on the coding strand, the complement: MAGI2 is on the minus strand). VCF-style: chr7-78019476-C-A. GRCh37 (hg19) VCF-style: chr7-77648793-C-A.
Other names: c.4165G>T, p.Glu1389Ter (NM_001301128.2); short protein forms E1389*, E1403*.
Identifiers: ClinVar variation 1515605 (VCV001515605.6), dbSNP rs1808079528, ClinGen allele CA367844892.
Genomic context (GRCh38, chr7:78,019,476, plus strand): 5'-GGGCGCCCCCCGGGGGTCGCGGGCCCGGCCGGGGACCCGCGCGCGCACCCGCCCTGCCCT[C>A]GGCCTCCAGCGCGCCGCTGCCGCCGCCGCCCGGGCCGGCAAACGCCGGCGCAGCCCCCGG-3'

ClinVar aggregate classification (germline): Uncertain significance (1 of 4 stars; one submission).

gnomAD v4.1: 1 of 980,080 alleles (0.0001%); highest among the groups gnomAD compares: Non-Finnish European, 0.00012%; no homozygotes.

Submission:

Labcorp Genetics (formerly Invitae), Labcorp
Classification: Uncertain significance. Last evaluated: 2021-11-02. Review status: criteria provided, single submitter. Criteria: Invitae Variant Classification Sherloc (09022015). Collection method: clinical testing. Allele origin: germline.
Comment: In summary, the available evidence is currently insufficient to determine the role of this variant in disease. Therefore, it has been classified as a Variant of Uncertain Significance. Experimental studies and prediction algorithms are not available or were not evaluated, and the functional significance of this variant is currently unknown. This variant has not been reported in the literature in individuals affected with MAGI2-related conditions. The frequency data for this variant in the population databases is considered unreliable, as metrics indicate insufficient coverage at this position in the gnomAD database. This sequence change creates a premature translational stop signal (p.Glu1403*) in the MAGI2 gene. While this is not anticipated to result in nonsense mediated decay, it is expected to disrupt the last 53 amino acid(s) of the MAGI2 protein.